The following is an entry in ClinVar:

NM_005562.3(LAMC2):c.2023A>T (p.Arg675Ter)

Gene: LAMC2 (laminin subunit gamma 2; plus strand). Cytogenetic location: 1q25.3.
Variant type: single nucleotide variant.
Coding change: c.2023A>T on transcript NM_005562.3 (MANE Select); coding-DNA position 2023, A replaced by T.
Protein change: p.Arg675Ter; replaces arginine 675 with a stop codon.
Molecular consequence: nonsense.
Genome position (GRCh38, 1-based): chr1:183,232,660, A>T. VCF-style: chr1-183232660-A-T. GRCh37 (hg19) VCF-style: chr1-183201795-A-T.
Other names: c.2023A>T, p.Arg675Ter (NM_018891.3); short protein forms R675*.
Identifiers: ClinVar variation 1451947 (VCV001451947.6), dbSNP rs2102239935, ClinGen allele CA343692835.
Genomic context (GRCh38, chr1:183,232,660, plus strand): 5'-CTCTATGCTGACCCAGAAAGTGCTCATGCTCCCTTTCCTTCTTTGCGTTCAGGTGCTAGC[A>T]GATCCCTTGGTCTCCAGTTGGCCAAGGTGAGGAGCCAAGAGAACAGCTACCAGAGCCGCC-3'

ClinVar aggregate classification (germline): Pathogenic (1 of 4 stars; one submission).

Submission:

Labcorp Genetics (formerly Invitae), Labcorp
Classification: Pathogenic. Last evaluated: 2021-03-24. Review status: criteria provided, single submitter. Criteria: Invitae Variant Classification Sherloc (09022015). Collection method: clinical testing. Allele origin: germline.
Comment: For these reasons, this variant has been classified as Pathogenic. This variant has not been reported in the literature in individuals with LAMC2-related conditions. This variant is not present in population databases (ExAC no frequency). This sequence change creates a premature translational stop signal (p.Arg675*) in the LAMC2 gene. It is expected to result in an absent or disrupted protein product. Loss-of-function variants in LAMC2 are known to be pathogenic (PMID: 11907499, 16473856).

Literature cited by the submitters: PubMed 11907499; PubMed 16473856.